The following is an entry in ClinVar:

ClinVar aggregate classification (germline): Pathogenic. Review status: criteria provided, multiple submitters, no conflicts (2 of 4 stars). 2 submissions from 2 submitters: Pathogenic (2). Last evaluated 2024-01-16.

Conditions:
Hereditary cancer-predisposing syndrome. Also called: Neoplastic Syndromes, Hereditary; Tumor predisposition; Hereditary Cancer Syndrome; Hereditary neoplastic syndrome. Identifiers: Orphanet 140162, MedGen C0027672, MeSH D009386, MONDO:0015356.
Hereditary breast ovarian cancer syndrome. Also called: Hereditary breast and ovarian cancer syndrome; Breast and ovarian cancer; Hereditary breast and/or ovarian cancer syndrome; Hereditary breast and ovarian cancer; BRCA1- and BRCA2-Associated Hereditary Breast and Ovarian Cancer; Hereditary breast and ovarian cancer syndrome (HBOC). Identifiers: Orphanet 145, MedGen C0677776, MeSH D061325, MONDO:0003582. Disease mechanism: loss of function.

Submissions (2):

Labcorp Genetics (formerly Invitae), Labcorp
Classification: Pathogenic for Hereditary breast ovarian cancer syndrome. Last evaluated: 2024-01-16. Review status: criteria provided, single submitter. Criteria: Invitae Variant Classification Sherloc (09022015). Collection method: clinical testing. Allele origin: germline.
Comment: This sequence change creates a premature translational stop signal (p.Ser1268Cysfs*6) in the BRCA2 gene. It is expected to result in an absent or disrupted protein product. Loss-of-function variants in BRCA2 are known to be pathogenic (PMID: 20104584). This variant is not present in population databases (gnomAD no frequency). This variant has not been reported in the literature in individuals affected with BRCA2-related conditions. ClinVar contains an entry for this variant (Variation ID: 1735083). For these reasons, this variant has been classified as Pathogenic.

Ambry Genetics
Classification: Pathogenic for Hereditary cancer-predisposing syndrome. Last evaluated: 2022-07-20. Review status: criteria provided, single submitter. Criteria: Ambry Variant Classification Scheme 2023. Collection method: clinical testing. Allele origin: germline.
Comment: The c.3803_3804delCT pathogenic mutation, located in coding exon 10 of the BRCA2 gene, results from a deletion of two nucleotides at nucleotide positions 3803 to 3804, causing a translational frameshift with a predicted alternate stop codon (p.S1268Cfs*6). This variant is considered to be rare based on population cohorts in the Genome Aggregation Database (gnomAD). This alteration is expected to result in loss of function by premature protein truncation or nonsense-mediated mRNA decay. As such, this alteration is interpreted as a disease-causing mutation.

Literature cited by the submitters: PubMed 20104584 (cited by Labcorp Genetics (formerly Invitae), Labcorp).

NM_000059.4(BRCA2):c.3803_3804del (p.Ser1268fs)

Gene: BRCA2 (BRCA2 DNA repair associated; plus strand). Cytogenetic location: 13q13.1.
Variant type: Deletion.
Coding change: c.3803_3804del on transcript NM_000059.4 (MANE Select); coding-DNA positions 3803 to 3804, 2 bases deleted (CT; older notation c.3803_3804delCT).
Protein change: p.Ser1268fs; shifts the reading frame from serine 1268.
Molecular consequence: frameshift variant.
Genome position (GRCh38, 1-based): chr13:32,338,158-32,338,159, CT deleted; deleting any 2 consecutive bases within chr13:32,338,157-32,338,159 gives the same sequence; the c. name uses the placement nearest the transcript's 3' end. VCF-style (leftmost placement, unchanged base first): chr13-32338156-TTC-T. GRCh37 (hg19) VCF-style: chr13-32912293-TTC-T.
Other names: c.3803_3804delCT, p.Ser1268Cysfs (NM_001406719.1, NM_001406720.1); short protein forms S1268fs.
Identifiers: ClinVar variation 1735083 (VCV001735083.7), dbSNP rs2548526930, ClinGen allele CA2580087228.